The following is an entry in ClinVar:

ClinVar aggregate classification (germline): Uncertain significance (1 of 4 stars; one submission).

Conditions:
Gorlin syndrome. Also called: Nevoid Basal Cell Carcinoma Syndrome; Basal cell nevus syndrome. Identifiers: Orphanet 377, MedGen C0004779, MONDO:0007187.

Submission:

Labcorp Genetics (formerly Invitae), Labcorp
Classification: Uncertain significance for Gorlin syndrome. Last evaluated: 2024-01-02. Review status: criteria provided, single submitter. Criteria: Invitae Variant Classification Sherloc (09022015). Collection method: clinical testing. Allele origin: germline.
Comment: This variant, c.142_156dup, results in the insertion of 5 amino acid(s) of the PTCH1 protein (p.Asp48_Arg52dup), but otherwise preserves the integrity of the reading frame. This variant is not present in population databases (gnomAD no frequency). This variant has not been reported in the literature in individuals affected with PTCH1-related conditions. In summary, the available evidence is currently insufficient to determine the role of this variant in disease. Therefore, it has been classified as a Variant of Uncertain Significance.

NM_000264.5(PTCH1):c.142_156dup (p.Arg52_Pro53insAspTyrLeuHisArg)

Genes: PTCH1 (patched 1; minus strand), LOC130002133 (ATAC-STARR-seq lymphoblastoid silent region 20071; plus strand). Cytogenetic location: 9q22.32.
Variant type: Duplication.
Coding change: c.142_156dup on transcript NM_000264.5 (MANE Select); coding-DNA positions 142 to 156, 15 bases duplicated (GACTATCTGCACCGG).
Protein change: p.Arg52_Pro53insAspTyrLeuHisArg.
Molecular consequence: inframe insertion. On other transcripts: intron variant (3), non-coding transcript variant (1).
Genome position (GRCh38, 1-based): chr9:95,508,206-95,508,220, CCGGTGCAGATAGTC duplicated on the plus strand (GACTATCTGCACCGG on the coding strand, the reverse complement: PTCH1 is on the minus strand); duplicating any 15 consecutive bases within chr9:95,508,206-95,508,225 gives the same sequence; the c. name uses the placement nearest the transcript's 3' end. VCF-style (leftmost placement, unchanged base first): chr9-95508205-G-GCCGGTGCAGATAGTC. GRCh37 (hg19) VCF-style: chr9-98270487-G-GCCGGTGCAGATAGTC.
Other names: c.199-1621_199-1607dup (NM_001083603.3); c.4-1621_4-1607dup (NM_001083602.3, NM_001354919.2); c.142_156dup, p.Arg52_Pro53insAspTyrLeuHisArg (NM_001354918.2).
Identifiers: ClinVar variation 2705233 (VCV002705233.3), dbSNP rs2538403079, ClinGen allele CA2697557898.